The following is an entry in ClinVar:

NM_014334.4(FRRS1L):c.248T>C (p.Phe83Ser)

Gene: FRRS1L (ferric chelate reductase 1 like; minus strand). Cytogenetic location: 9q31.3.
Variant type: single nucleotide variant.
Coding change: c.248T>C on transcript NM_014334.4 (MANE Select); coding-DNA position 248, T replaced by C.
Protein change: p.Phe83Ser; replaces phenylalanine 83 with serine.
Molecular consequence: missense variant.
Genome position (GRCh38, 1-based): chr9:109,149,711, A>G on the plus strand (T>C on the coding strand, the complement: FRRS1L is on the minus strand). VCF-style: chr9-109149711-A-G. GRCh37 (hg19) VCF-style: chr9-111911991-A-G.
Other names: short protein forms F83S.
Identifiers: ClinVar variation 542868 (VCV000542868.9), dbSNP rs1554733324, ClinGen allele CA374428394.

ClinVar aggregate classification (germline): Uncertain significance (1 of 4 stars; one submission).

Conditions:
Developmental and epileptic encephalopathy, 37 (DEE37). Also called: Epileptic encephalopathy, early infantile, 37. Identifiers: MedGen C4310770, MONDO:0014859, OMIM 616981.

Submission:

Labcorp Genetics (formerly Invitae), Labcorp
Classification: Uncertain significance for Developmental and epileptic encephalopathy, 37. Last evaluated: 2017-10-06. Review status: criteria provided, single submitter. Criteria: Invitae Variant Classification Sherloc (09022015). Collection method: clinical testing. Allele origin: germline.
Comment: This sequence change replaces phenylalanine with serine at codon 134 of the FRRS1L protein (p.Phe134Ser). The phenylalanine residue is highly conserved and there is a large physicochemical difference between phenylalanine and serine. This variant is not present in population databases (ExAC no frequency). This variant has not been reported in the literature in individuals with FRRS1L-related disease. Algorithms developed to predict the effect of missense changes on protein structure and function (SIFT, PolyPhen-2, Align-GVGD) all suggest that this variant is likely to be tolerated, but these predictions have not been confirmed by published functional studies and their clinical significance is uncertain. In summary, the available evidence is currently insufficient to determine the role of this variant in disease. Therefore, it has been classified as a Variant of Uncertain Significance.